The following is an entry in ClinVar:

NM_145290.4(ADGRA3):c.1703G>A (p.Arg568His)

Gene: ADGRA3 (adhesion G protein-coupled receptor A3; minus strand). Cytogenetic location: 4p15.2.
Variant type: single nucleotide variant.
Coding change: c.1703G>A on transcript NM_145290.4 (MANE Select); coding-DNA position 1703, G replaced by A.
Protein change: p.Arg568His; replaces arginine 568 with histidine.
Molecular consequence: missense variant.
Genome position (GRCh38, 1-based): chr4:22,420,992, C>T on the plus strand (G>A on the coding strand, the complement: ADGRA3 is on the minus strand). VCF-style: chr4-22420992-C-T. GRCh37 (hg19) VCF-style: chr4-22422615-C-T.
Other names: short protein forms R568H.
Identifiers: ClinVar variation 786511 (VCV000786511.13), dbSNP rs148867805, ClinGen allele CA2873865.
Genomic context (GRCh38, chr4:22,420,992, plus strand): 5'-CTCAGCTGCTTATCCAGGTTTCCCTCTGGATCCCGCCTCCCATAATCCGAAAGTCCTGTA[C>T]GATCAGAGGCTGCCACTTTCTGGAACACGGTACAGGTCATCCCCGTGAAGCCAGTAGACT-3'
Protein context (NP_660333.2, residues 558-578): TVFQKVAASD[Arg568His]TGLSDYGRRD

ClinVar aggregate classification (germline): Likely benign. Review status: criteria provided, single submitter (1 of 4 stars). 2 submissions from 2 submitters: Likely benign (1). 1 of the submissions does not count toward it. Last evaluated 2026-01-24.

Conditions:
ADGRA3-related disorder. Also called: ADGRA3-related condition.

Allele frequency attached by ClinVar (database versions not stated): TOPMed 0.00053; ESP Exome Variant Server 0.00069; 1000 Genomes Project 30x 0.00094; 1000 Genomes Project 0.00100.
gnomAD v4.1: 1,678 of 1,614,046 alleles (0.1%); highest among the groups gnomAD compares: South Asian, 0.26%; 2 homozygotes.

Submissions (2):

Labcorp Genetics (formerly Invitae), Labcorp
Classification: Likely benign. Last evaluated: 2026-01-24. Review status: criteria provided, single submitter. Criteria: Invitae Variant Classification Sherloc (09022015). Collection method: clinical testing. Allele origin: germline.

PreventionGenetics, part of Exact Sciences
Classification: Likely benign for ADGRA3-related condition. Last evaluated: 2022-04-19. Review status: no assertion criteria provided. Collection method: clinical testing. Allele origin: germline. Not counted in ClinVar's aggregate classification.
Comment: This variant is classified as likely benign based on ACMG/AMP sequence variant interpretation guidelines (Richards et al. 2015 PMID: 25741868, with internal and published modifications).